The following is an entry in ClinVar:

ClinVar aggregate classification (germline): Uncertain significance. Review status: criteria provided, multiple submitters, no conflicts (2 of 4 stars). 2 submissions from 2 submitters: Uncertain significance (2). Last evaluated 2025-08-19.

Conditions:
Distal myopathy with posterior leg and anterior hand involvement. Also called: WILLIAMS DISTAL MYOPATHY. Identifiers: Orphanet 63273, MedGen C3279722, MONDO:0013550, OMIM 614065.
Hypertrophic cardiomyopathy 26. Also called: Cardiomyopathy, familial hypertrophic, 26. Identifiers: Orphanet 75249, MedGen C4310749, MONDO:0014883, OMIM 617047.
Myofibrillar myopathy 5. Also called: Filaminopathy (type); FILAMINOPATHY, AUTOSOMAL DOMINANT. Identifiers: Orphanet 171445, MedGen C1836050, MONDO:0012289, OMIM 609524.
Cardiovascular phenotype. Identifiers: MedGen CN230736.

Allele frequency attached by ClinVar (database versions not stated): gnomAD exomes below 0.00001.
gnomAD v4.1: 2 of 1,612,858 alleles (0.00012%); highest among the groups gnomAD compares: Non-Finnish European, 0.00017%; no homozygotes.

Submissions (2):

Ambry Genetics
Classification: Uncertain significance for Cardiovascular phenotype. Last evaluated: 2025-08-19. Review status: criteria provided, single submitter. Criteria: Ambry Variant Classification Scheme 2023. Collection method: clinical testing. Allele origin: germline.
Comment: The p.Q1835P variant (also known as c.5504A>C), located in coding exon 33 of the FLNC gene, results from an A to C substitution at nucleotide position 5504. The glutamine at codon 1835 is replaced by proline, an amino acid with similar properties. This amino acid position is conserved. In addition, the in silico prediction for this alteration is inconclusive. Since supporting evidence is limited at this time, the clinical significance of this alteration remains unclear.

Labcorp Genetics (formerly Invitae), Labcorp
Classification: Uncertain significance for Distal myopathy with posterior leg and anterior hand involvement; Myofibrillar myopathy 5; Hypertrophic cardiomyopathy 26. Last evaluated: 2024-11-28. Review status: criteria provided, single submitter. Criteria: Invitae Variant Classification Sherloc (09022015). Collection method: clinical testing. Allele origin: germline.
Comment: This sequence change replaces glutamine, which is neutral and polar, with proline, which is neutral and non-polar, at codon 1835 of the FLNC protein (p.Gln1835Pro). This variant is not present in population databases (gnomAD no frequency). This variant has not been reported in the literature in individuals affected with FLNC-related conditions. ClinVar contains an entry for this variant (Variation ID: 1747994). Invitae Evidence Modeling of protein sequence and biophysical properties (such as structural, functional, and spatial information, amino acid conservation, physicochemical variation, residue mobility, and thermodynamic stability) has been performed for this missense variant. However, the output from this modeling did not meet the statistical confidence thresholds required to predict the impact of this variant on FLNC protein function. In summary, the available evidence is currently insufficient to determine the role of this variant in disease. Therefore, it has been classified as a Variant of Uncertain Significance.

NM_001458.5(FLNC):c.5504A>C (p.Gln1835Pro)

Genes: FLNC-AS1 (FLNC antisense RNA 1; minus strand), FLNC (filamin C; plus strand). Cytogenetic location: 7q32.1.
Variant type: single nucleotide variant.
Coding change: c.5504A>C on transcript NM_001458.5 (MANE Select); coding-DNA position 5504, A replaced by C.
Protein change: p.Gln1835Pro; replaces glutamine 1835 with proline.
Molecular consequence: missense variant.
Genome position (GRCh38, 1-based): chr7:128,850,908, A>C. VCF-style: chr7-128850908-A-C. GRCh37 (hg19) VCF-style: chr7-128490962-A-C.
Other names: c.5405A>C, p.Gln1802Pro (NM_001127487.2); short protein forms Q1835P, Q1802P.
Identifiers: ClinVar variation 1747994 (VCV001747994.6), dbSNP rs2536654812, ClinGen allele CA369206926.
Genomic context (GRCh38, chr7:128,850,908, plus strand): 5'-CCGACAACAAGGACGGCACCATCACGGTGAGGTATGCACCCACTGAGAAAGGCCTGCACC[A>C]GATGGGGATCAAGTATGACGGCAACCACATCCCTGGTGAGTTAGGGGCTGGGCTGGGCTG-3'
Protein context (NP_001449.3, residues 1825-1845): RYAPTEKGLH[Gln1835Pro]MGIKYDGNHI